The following is an entry in ClinVar:

NM_015512.5(DNAH1):c.10173G>A (p.Glu3391=)

Gene: DNAH1 (dynein axonemal heavy chain 1; plus strand). Cytogenetic location: 3p21.1.
Variant type: single nucleotide variant.
Coding change: c.10173G>A on transcript NM_015512.5 (MANE Select); coding-DNA position 10173, G replaced by A.
Protein change: p.Glu3391=; no amino-acid change (glutamic acid 3391 retained).
Molecular consequence: synonymous variant.
Genome position (GRCh38, 1-based): chr3:52,392,584, G>A. VCF-style: chr3-52392584-G-A. GRCh37 (hg19) VCF-style: chr3-52426600-G-A.
Identifiers: ClinVar variation 707280 (VCV000707280.13), dbSNP rs202178561, ClinGen allele CA2435726.

ClinVar aggregate classification (germline): Likely benign. Review status: criteria provided, multiple submitters, no conflicts (2 of 4 stars). 3 submissions from 3 submitters: Likely benign (2). 1 of the submissions does not count toward it. Last evaluated 2026-01-24.

Conditions:
Spermatogenic failure 18. Identifiers: MedGen C4539783, MONDO:0054615, OMIM 617576.
Ciliary dyskinesia, primary, 37 (CILD37). Also called: CILIARY DYSKINESIA, PRIMARY, 37, WITH OR WITHOUT SITUS INVERSUS. Identifiers: MedGen C4539798, MONDO:0033204, OMIM 617577.
DNAH1-related disorder. Also called: DNAH1-related condition.

Allele frequency attached by ClinVar (database versions not stated): gnomAD exomes 0.00021 and 0.00051; gnomAD 0.00027; TOPMed 0.00030; ESP Exome Variant Server 0.00032; ExAC 0.00033.
gnomAD v4.1: 391 of 1,613,838 alleles (0.024%); highest among the groups gnomAD compares: Admixed American, 0.01%; 2 homozygotes.

Submissions (3):

Labcorp Genetics (formerly Invitae), Labcorp
Classification: Likely benign for Ciliary dyskinesia, primary, 37; Spermatogenic failure 18. Last evaluated: 2026-01-24. Review status: criteria provided, single submitter. Criteria: Invitae Variant Classification Sherloc (09022015). Collection method: clinical testing. Allele origin: germline.

Blueprint Genetics
Classification: Likely benign. Last evaluated: 2024-07-17. Review status: criteria provided, single submitter. Criteria: ACMG Guidelines, 2015. Collection method: clinical testing. Allele origin: germline.

PreventionGenetics, part of Exact Sciences
Classification: Likely benign for DNAH1-related condition. Last evaluated: 2019-03-06. Review status: no assertion criteria provided. Collection method: clinical testing. Allele origin: germline. Not counted in ClinVar's aggregate classification.
Comment: This variant is classified as likely benign based on ACMG/AMP sequence variant interpretation guidelines (Richards et al. 2015 PMID: 25741868, with internal and published modifications).